The following is an entry in ClinVar:

ClinVar aggregate classification (germline): Uncertain significance. Review status: criteria provided, multiple submitters, no conflicts (2 of 4 stars). 2 submissions from 2 submitters: Uncertain significance (2). Last evaluated 2024-10-07.

Conditions:
Inborn genetic diseases. Identifiers: MedGen C0950123, MeSH D030342.

Allele frequency attached by ClinVar (database versions not stated): gnomAD 0.00001; TOPMed 0.00002.

Submissions (2):

Labcorp Genetics (formerly Invitae), Labcorp
Classification: Uncertain significance. Last evaluated: 2024-10-07. Review status: criteria provided, single submitter. Criteria: Invitae Variant Classification Sherloc (09022015). Collection method: clinical testing. Allele origin: germline.
Comment: This sequence change replaces arginine, which is basic and polar, with tryptophan, which is neutral and slightly polar, at codon 281 of the WNT10B protein (p.Arg281Trp). This variant is present in population databases (no rsID available, gnomAD 0.01%). This variant has not been reported in the literature in individuals affected with WNT10B-related conditions. ClinVar contains an entry for this variant (Variation ID: 2473038). Invitae Evidence Modeling of protein sequence and biophysical properties (such as structural, functional, and spatial information, amino acid conservation, physicochemical variation, residue mobility, and thermodynamic stability) indicates that this missense variant is not expected to disrupt WNT10B protein function with a negative predictive value of 80%. In summary, the available evidence is currently insufficient to determine the role of this variant in disease. Therefore, it has been classified as a Variant of Uncertain Significance.

Ambry Genetics
Classification: Uncertain significance for Inborn genetic diseases. Last evaluated: 2023-02-22. Review status: criteria provided, single submitter. Criteria: Ambry Variant Classification Scheme 2023. Collection method: clinical testing. Allele origin: germline.

NM_003394.4(WNT10B):c.841C>T (p.Arg281Trp)

Gene: WNT10B (Wnt family member 10B; minus strand). Cytogenetic location: 12q13.12.
Variant type: single nucleotide variant.
Coding change: c.841C>T on transcript NM_003394.4 (MANE Select); coding-DNA position 841, C replaced by T.
Protein change: p.Arg281Trp; replaces arginine 281 with tryptophan.
Molecular consequence: missense variant.
Genome position (GRCh38, 1-based): chr12:48,966,424, G>A on the plus strand (C>T on the coding strand, the complement: WNT10B is on the minus strand). VCF-style: chr12-48966424-G-A. GRCh37 (hg19) VCF-style: chr12-49360207-G-A.
Other names: short protein forms R281W.
Identifiers: ClinVar variation 2473038 (VCV002473038.4), dbSNP rs1384576992, ClinGen allele CA384673100.